The following is an entry in ClinVar:

ClinVar aggregate classification (germline): Uncertain significance. Review status: criteria provided, multiple submitters, no conflicts (2 of 4 stars). 3 submissions from 3 submitters: Uncertain significance (3). Last evaluated 2026-01-24.

Conditions:
Combined immunodeficiency due to DOCK8 deficiency (HIES2). Also called: HYPER-IgE RECURRENT INFECTION SYNDROME 2, AUTOSOMAL RECESSIVE; HYPER-IgE SYNDROME 2, AUTOSOMAL RECESSIVE, WITH RECURRENT INFECTIONS; HIES autosomal recessive; Hyper-IgE recurrent infection syndrome, autosomal recessive; DOCK8 Deficiency. Identifiers: Orphanet 217390, MedGen C4722305, MONDO:0009478, OMIM 243700.
Inborn genetic diseases. Identifiers: MedGen C0950123, MeSH D030342.

Allele frequency attached by ClinVar (database versions not stated): gnomAD 0.00001 and 0.00003; TOPMed 0.00001; gnomAD exomes 0.00006 and 0.00008; ESP Exome Variant Server 0.00008; ExAC 0.00010.
gnomAD v4.1: 83 of 1,614,138 alleles (0.0051%); highest among the groups gnomAD compares: South Asian, 0.061%; no homozygotes.

Submissions (3):

Labcorp Genetics (formerly Invitae), Labcorp
Classification: Uncertain significance for Combined immunodeficiency due to DOCK8 deficiency. Last evaluated: 2026-01-24. Review status: criteria provided, single submitter. Criteria: Invitae Variant Classification Sherloc (09022015). Collection method: clinical testing. Allele origin: germline.
Comment: This sequence change replaces isoleucine, which is neutral and non-polar, with valine, which is neutral and non-polar, at codon 1263 of the DOCK8 protein (p.Ile1263Val). This variant is present in population databases (rs370490613, gnomAD 0.06%). This variant has not been reported in the literature in individuals affected with DOCK8-related conditions. ClinVar contains an entry for this variant (Variation ID: 1044866). Invitae Evidence Modeling of protein sequence and biophysical properties (such as structural, functional, and spatial information, amino acid conservation, physicochemical variation, residue mobility, and thermodynamic stability) indicates that this missense variant is not expected to disrupt DOCK8 protein function with a negative predictive value of 80%. In summary, the available evidence is currently insufficient to determine the role of this variant in disease. Therefore, it has been classified as a Variant of Uncertain Significance.

Ambry Genetics
Classification: Uncertain significance for Inborn genetic diseases. Last evaluated: 2025-10-06. Review status: criteria provided, single submitter. Criteria: Ambry Variant Classification Scheme 2023. Collection method: clinical testing. Allele origin: germline.

CeGaT Center for Human Genetics Tuebingen
Classification: Uncertain significance. Last evaluated: 2024-05-01. Review status: criteria provided, single submitter. Criteria: CeGaT Center For Human Genetics Tuebingen Variant Classification Criteria Version 2. Collection method: clinical testing. Allele origin: germline. Affected: yes. Observed: 1 variant allele.
Comment: DOCK8: PM2

NM_203447.4(DOCK8):c.3787A>G (p.Ile1263Val)

Gene: DOCK8 (dedicator of cytokinesis 8; plus strand). Cytogenetic location: 9p24.3.
Variant type: single nucleotide variant.
Coding change: c.3787A>G on transcript NM_203447.4 (MANE Select); coding-DNA position 3787, A replaced by G.
Protein change: p.Ile1263Val; replaces isoleucine 1263 with valine.
Molecular consequence: missense variant.
Genome position (GRCh38, 1-based): chr9:418,154, A>G. VCF-style: chr9-418154-A-G. GRCh37 (hg19) VCF-style: chr9-418154-A-G.
Other names: c.3487A>G, p.Ile1163Val (NM_001190458.2); c.3583A>G, p.Ile1195Val (NM_001193536.2); c.3787A>G (NM_203447.3); short protein forms I1195V, I1163V, I1263V.
Identifiers: ClinVar variation 1044866 (VCV001044866.33), dbSNP rs370490613, ClinGen allele CA4958823.